The following is an entry in ClinVar:

NM_006031.6(PCNT):c.959G>A (p.Arg320Lys)

Gene: PCNT (pericentrin; plus strand). Cytogenetic location: 21q22.3.
Variant type: single nucleotide variant.
Coding change: c.959G>A on transcript NM_006031.6 (MANE Select); coding-DNA position 959, G replaced by A.
Protein change: p.Arg320Lys; replaces arginine 320 with lysine.
Molecular consequence: missense variant.
Genome position (GRCh38, 1-based): chr21:46,346,981, G>A. VCF-style: chr21-46346981-G-A. GRCh37 (hg19) VCF-style: chr21-47766895-G-A.
Other names: c.605G>A, p.Arg202Lys (NM_001315529.2); short protein forms R320K, R202K.
Identifiers: ClinVar variation 197781 (VCV000197781.21), dbSNP rs149844283, ClinGen allele CA246112.
Genomic context (GRCh38, chr21:46,346,981, plus strand): 5'-AGCACGAGCTGGAGCTCCTCAGGGAGCAGCACGCACGGGAGAAGGAGGAGGTGGTGCTCA[G>A]GTGTGGACAGGAAGCAGGTACTGCATGGCTAGGCGGGCACGGGCAGCGTGTGGGCTCGGT-3'
Protein context (NP_006022.3, residues 310-330): HAREKEEVVL[Arg320Lys]CGQEAAELKE

ClinVar aggregate classification (germline): Conflicting classifications of pathogenicity. Review status: criteria provided, conflicting classifications (1 of 4 stars). 7 submissions from 7 submitters: Uncertain significance (6); Likely benign (1). Last evaluated 2026-07-28.

Conditions:
PCNT-related disorder. Also called: PCNT-related condition.
Microcephalic osteodysplastic primordial dwarfism type II (MOPD2). Also called: Microcephalic osteodysplastic primordial dwarfism with tooth abnormalities; MOPD II; OSTEODYSPLASTIC PRIMORDIAL DWARFISM, TYPE II. Identifiers: Orphanet 2637, MedGen C0432246, MONDO:0008872, OMIM 210720.

Allele frequency attached by ClinVar (database versions not stated): ESP Exome Variant Server 0.00008; gnomAD exomes 0.00012 and 0.00016; gnomAD 0.00013 and 0.00014; TOPMed 0.00015; ExAC 0.00016.
gnomAD v4.1: 235 of 1,595,728 alleles (0.015%); highest among the groups gnomAD compares: Non-Finnish European, 0.02%; no homozygotes.

Submissions (7):

PreventionGenetics, part of Exact Sciences
Classification: Uncertain significance for PCNT-related condition. Last evaluated: 2026-07-28. Review status: criteria provided, single submitter. Criteria: ACMG Guidelines, 2015. Collection method: clinical testing. Allele origin: germline.
Comment: The PCNT c.959G>A variant is predicted to result in the amino acid substitution p.Arg320Lys. To our knowledge, this variant has not been reported in association with obesity, but was reported as uncertain in one individual with intracranial aneurysms (Table 2, Sauvigny et al. 2020. PubMed ID: 32367296). This variant is reported in 0.022% of alleles in individuals of European (Non-Finnish) descent in gnomAD. At this time, the clinical significance of this variant is uncertain due to the absence of conclusive functional and genetic evidence.

CeGaT Center for Human Genetics Tuebingen
Classification: Likely benign. Last evaluated: 2026-01-01. Review status: criteria provided, single submitter. Criteria: CeGaT Center For Human Genetics Tuebingen Variant Classification Criteria Version 2. Collection method: clinical testing. Allele origin: germline. Affected: yes. Observed: 1 variant allele.
Comment: PCNT: BP4

GeneDx
Classification: Uncertain significance. Last evaluated: 2025-11-19. Review status: criteria provided, single submitter. Criteria: GeneDx Variant Classification Process June 2021. Collection method: clinical testing. Allele origin: germline.
Comment: Reported in the heterozygous state in an individual with a history of intrancranial aneurysm and aneurysmal subarachnoid hemorrhage (PMID: 32367296); In silico analysis suggests that this missense variant does not alter protein structure/function; This variant is associated with the following publications: (PMID: 32367296)

Labcorp Genetics (formerly Invitae), Labcorp
Classification: Uncertain significance. Last evaluated: 2022-08-30. Review status: criteria provided, single submitter. Criteria: Invitae Variant Classification Sherloc (09022015). Collection method: clinical testing. Allele origin: germline.
Comment: This sequence change replaces arginine, which is basic and polar, with lysine, which is basic and polar, at codon 320 of the PCNT protein (p.Arg320Lys). This variant is present in population databases (rs149844283, gnomAD 0.02%). This variant has not been reported in the literature in individuals affected with PCNT-related conditions. ClinVar contains an entry for this variant (Variation ID: 197781). Algorithms developed to predict the effect of missense changes on protein structure and function output the following: SIFT: "Tolerated"; PolyPhen-2: "Possibly Damaging"; Align-GVGD: "Class C0". The lysine amino acid residue is found in multiple mammalian species, which suggests that this missense change does not adversely affect protein function. Algorithms developed to predict the effect of sequence changes on RNA splicing suggest that this variant may disrupt the consensus splice site. In summary, the available evidence is currently insufficient to determine the role of this variant in disease. Therefore, it has been classified as a Variant of Uncertain Significance.

Fulgent Genetics
Classification: Uncertain significance for Microcephalic osteodysplastic primordial dwarfism type II. Last evaluated: 2022-03-03. Review status: criteria provided, single submitter. Criteria: ACMG Guidelines, 2015. Collection method: clinical testing. Allele origin: unknown.

Genetic Services Laboratory, University of Chicago
Classification: Uncertain significance. Last evaluated: 2018-02-01. Review status: criteria provided, single submitter. Criteria: ACMG Guidelines, 2015. Collection method: clinical testing. Allele origin: germline. Affected: no.

Eurofins Ntd Llc (ga)
Classification: Uncertain significance. Last evaluated: 2014-11-14. Review status: criteria provided, single submitter. Criteria: EGL Classification Definitions 2015. Collection method: clinical testing. Allele origin: germline. Observed: 1 variant allele, 1 heterozygote.